The following is an entry in ClinVar:

NM_000321.3(RB1):c.133G>C (p.Val45Leu)

Gene: RB1 (RB transcriptional corepressor 1; plus strand). Cytogenetic location: 13q14.2.
Variant type: single nucleotide variant.
Coding change: c.133G>C on transcript NM_000321.3 (MANE Select); coding-DNA position 133, G replaced by C.
Protein change: p.Val45Leu; replaces valine 45 with leucine.
Molecular consequence: missense variant.
Genome position (GRCh38, 1-based): chr13:48,304,045, G>C. VCF-style: chr13-48304045-G-C. GRCh37 (hg19) VCF-style: chr13-48878181-G-C.
Other names: c.133G>C, p.Val45Leu (NM_001407165.1, NM_001407166.1, NM_001407167.1); short protein forms V45L.
Identifiers: ClinVar variation 2565230 (VCV002565230.2), dbSNP rs2138028058, ClinGen allele CA388250398.

ClinVar aggregate classification (germline): Uncertain significance (1 of 4 stars; one submission).

Conditions:
Hereditary cancer-predisposing syndrome. Also called: Neoplastic Syndromes, Hereditary; Hereditary Cancer Syndrome; Hereditary neoplastic syndrome; Tumor predisposition. Identifiers: Orphanet 140162, MedGen C0027672, MeSH D009386, MONDO:0015356.

Allele frequency attached by ClinVar (database versions not stated): gnomAD exomes below 0.00001.
gnomAD v4.1: 1 of 1,448,074 alleles (0.000069%); highest among the groups gnomAD compares: Non-Finnish European, 0.00009%; no homozygotes.

Submission:

Ambry Genetics
Classification: Uncertain significance for Hereditary cancer-predisposing syndrome. Last evaluated: 2023-05-08. Review status: criteria provided, single submitter. Criteria: Ambry Variant Classification Scheme 2023. Collection method: clinical testing. Allele origin: germline.
Comment: The p.V45L variant (also known as c.133G>C), located in coding exon 1 of the RB1 gene, results from a G to C substitution at nucleotide position 133. The valine at codon 45 is replaced by leucine, an amino acid with highly similar properties. This amino acid position is conserved. In addition, this alteration is predicted to be tolerated by in silico analysis. Since supporting evidence is limited at this time, the clinical significance of this alteration remains unclear.